The following is an entry in ClinVar:

NM_021096.4(CACNA1I):c.3499A>G (p.Ile1167Val)

Gene: CACNA1I (calcium voltage-gated channel subunit alpha1 I; plus strand). Cytogenetic location: 22q13.1.
Variant type: single nucleotide variant.
Coding change: c.3499A>G on transcript NM_021096.4 (MANE Select); coding-DNA position 3499, A replaced by G.
Protein change: p.Ile1167Val; replaces isoleucine 1167 with valine.
Molecular consequence: missense variant.
Genome position (GRCh38, 1-based): chr22:39,663,743, A>G. VCF-style: chr22-39663743-A-G. GRCh37 (hg19) VCF-style: chr22-40059748-A-G.
Other names: c.3394A>G, p.Ile1132Val (NM_001003406.2); short protein forms I1132V, I1167V.
Identifiers: ClinVar variation 3360046 (VCV003360046.1).

ClinVar aggregate classification (germline): Uncertain significance (1 of 4 stars; one submission).

Submission:

GeneDx
Classification: Uncertain significance. Last evaluated: 2023-06-22. Review status: criteria provided, single submitter. Criteria: GeneDx Variant Classification Process June 2021. Collection method: clinical testing. Allele origin: germline. Affected: yes.
Comment: Not observed at significant frequency in large population cohorts (gnomAD); In silico analysis supports that this missense variant does not alter protein structure/function; Has not been previously published as pathogenic or benign to our knowledge